The following is an entry in ClinVar:

NM_001844.5(COL2A1):c.1735G>A (p.Gly579Arg)

Gene: COL2A1 (collagen type II alpha 1 chain; minus strand). Cytogenetic location: 12q13.11.
Variant type: single nucleotide variant.
Coding change: c.1735G>A on transcript NM_001844.5 (MANE Select); coding-DNA position 1735, G replaced by A.
Protein change: p.Gly579Arg; replaces glycine 579 with arginine.
Molecular consequence: missense variant.
Genome position (GRCh38, 1-based): chr12:47,985,093, C>T on the plus strand (G>A on the coding strand, the complement: COL2A1 is on the minus strand). VCF-style: chr12-47985093-C-T. GRCh37 (hg19) VCF-style: chr12-48378876-C-T.
Other names: c.1528G>A, p.Gly510Arg (NM_033150.3); short protein forms G510R, G579R.
Identifiers: ClinVar variation 1039265 (VCV001039265.8), dbSNP rs1939320461, ClinGen allele CA384550827.

ClinVar aggregate classification (germline): Pathogenic (1 of 4 stars; one submission).

Submission:

Labcorp Genetics (formerly Invitae), Labcorp
Classification: Pathogenic. Last evaluated: 2021-02-13. Review status: criteria provided, single submitter. Criteria: Invitae Variant Classification Sherloc (09022015). Collection method: clinical testing. Allele origin: germline.
Comment: This variant is not present in population databases (ExAC no frequency). For these reasons, this variant has been classified as Pathogenic. This variant disrupts the triple helix domain of COL2A1. Glycine residues within the Gly-Xaa-Yaa repeats of the triple helix domain are required for the structure and stability of fibrillar collagens (PMID: 7695699, 8218237, 19344236). In COL2A1, variants affecting these glycine residues are significantly enriched in individuals with disease (PMID: 9016532, 17078022) compared to the general population (ExAC). Algorithms developed to predict the effect of missense changes on protein structure and function (SIFT, PolyPhen-2, Align-GVGD) all suggest that this variant is likely to be disruptive, but these predictions have not been confirmed by published functional studies and their clinical significance is uncertain. This variant has been observed in individual(s) with clinical features of COL2A1-related skeletal dysplasia (Invitae). In at least one individual the variant was observed to be de novo. This sequence change replaces glycine with arginine at codon 579 of the COL2A1 protein (p.Gly579Arg). The glycine residue is highly conserved and there is a moderate physicochemical difference between glycine and arginine.

Literature cited by the submitters: PubMed 7695699; PubMed 8218237; PubMed 19344236; PubMed 9016532; PubMed 17078022.